The following is an entry in ClinVar:

ClinVar aggregate classification (germline): Uncertain significance (1 of 4 stars; one submission).

Submission:

Labcorp Genetics (formerly Invitae), Labcorp
Classification: Uncertain significance. Last evaluated: 2022-12-05. Review status: criteria provided, single submitter. Criteria: Invitae Variant Classification Sherloc (09022015). Collection method: clinical testing. Allele origin: germline.
Comment: In summary, the available evidence is currently insufficient to determine the role of this variant in disease. Therefore, it has been classified as a Variant of Uncertain Significance. Advanced modeling of protein sequence and biophysical properties (such as structural, functional, and spatial information, amino acid conservation, physicochemical variation, residue mobility, and thermodynamic stability) performed at Invitae indicates that this missense variant is not expected to disrupt SCN3A protein function. This variant has not been reported in the literature in individuals affected with SCN3A-related conditions. This variant is not present in population databases (gnomAD no frequency). This sequence change replaces arginine, which is basic and polar, with threonine, which is neutral and polar, at codon 509 of the SCN3A protein (p.Arg509Thr).

NM_006922.4(SCN3A):c.1526G>C (p.Arg509Thr)

Gene: SCN3A (sodium voltage-gated channel alpha subunit 3; minus strand). Cytogenetic location: 2q24.3.
Variant type: single nucleotide variant.
Coding change: c.1526G>C on transcript NM_006922.4 (MANE Select); coding-DNA position 1526, G replaced by C.
Protein change: p.Arg509Thr; replaces arginine 509 with threonine.
Molecular consequence: missense variant.
Genome position (GRCh38, 1-based): chr2:165,146,884, C>G on the plus strand (G>C on the coding strand, the complement: SCN3A is on the minus strand). VCF-style: chr2-165146884-C-G. GRCh37 (hg19) VCF-style: chr2-166003394-C-G.
Other names: c.1526G>C, p.Arg509Thr (NM_001081676.2, NM_001081677.2); short protein forms R509T.
Identifiers: ClinVar variation 2000999 (VCV002000999.4), dbSNP rs2468362985, ClinGen allele CA349236562.